The following is an entry in ClinVar:

NM_000243.3(MEFV):c.965C>G (p.Pro322Arg)

Gene: MEFV (MEFV innate immunity regulator, pyrin; minus strand). Cytogenetic location: 16p13.3.
Variant type: single nucleotide variant.
Coding change: c.965C>G on transcript NM_000243.3 (MANE Select); coding-DNA position 965, C replaced by G.
Protein change: p.Pro322Arg; replaces proline 322 with arginine.
Molecular consequence: missense variant.
Genome position (GRCh38, 1-based): chr16:3,249,726, G>C on the plus strand (C>G on the coding strand, the complement: MEFV is on the minus strand). VCF-style: chr16-3249726-G-C. GRCh37 (hg19) VCF-style: chr16-3299726-G-C.
Other names: c.332C>G, p.Pro111Arg (NM_001198536.2); short protein forms P322R, P111R.
Identifiers: ClinVar variation 2086133 (VCV002086133.4), dbSNP rs761105176, ClinGen allele CA394471653.

ClinVar aggregate classification (germline): Uncertain significance (1 of 4 stars; one submission).

Conditions:
Familial Mediterranean fever (FMF). Also called: POLYSEROSITIS, FAMILIAL PAROXYSMAL; POLYSEROSITIS, RECURRENT; Periodic peritonitis; Benign paroxysmal peritonitis. Identifiers: Orphanet 342, MedGen C0031069, MONDO:0018088, OMIM 249100. Disease mechanism: gain of function.

gnomAD v4.1: 2 of 1,614,064 alleles (0.00012%); highest among the groups gnomAD compares: Non-Finnish European, 0.00017%; no homozygotes.

Submission:

Labcorp Genetics (formerly Invitae), Labcorp
Classification: Uncertain significance for Familial Mediterranean fever. Last evaluated: 2022-08-21. Review status: criteria provided, single submitter. Criteria: Invitae Variant Classification Sherloc (09022015). Collection method: clinical testing. Allele origin: germline.
Comment: In summary, the available evidence is currently insufficient to determine the role of this variant in disease. Therefore, it has been classified as a Variant of Uncertain Significance. Algorithms developed to predict the effect of missense changes on protein structure and function are either unavailable or do not agree on the potential impact of this missense change (SIFT: "Tolerated"; PolyPhen-2: "Possibly Damaging"; Align-GVGD: "Class C0"). This variant has not been reported in the literature in individuals affected with MEFV-related conditions. This variant is not present in population databases (gnomAD no frequency). This sequence change replaces proline, which is neutral and non-polar, with arginine, which is basic and polar, at codon 322 of the MEFV protein (p.Pro322Arg).